The following is an entry in ClinVar:

ClinVar aggregate classification (germline): Uncertain significance (1 of 4 stars; one submission).

Allele frequency attached by ClinVar (database versions not stated): gnomAD exomes 0.00001; TOPMed 0.00002; gnomAD 0.00003.
gnomAD v4.1: 21 of 1,613,930 alleles (0.0013%); highest among the groups gnomAD compares: African/African-American, 0.004%; no homozygotes.

Submission:

Labcorp Genetics (formerly Invitae), Labcorp
Classification: Uncertain significance. Last evaluated: 2021-12-27. Review status: criteria provided, single submitter. Criteria: Invitae Variant Classification Sherloc (09022015). Collection method: clinical testing. Allele origin: germline.
Comment: This sequence change replaces alanine, which is neutral and non-polar, with valine, which is neutral and non-polar, at codon 152 of the CDCA7 protein (p.Ala152Val). This variant is present in population databases (no rsID available, gnomAD 0.0009%). This variant has not been reported in the literature in individuals affected with CDCA7-related conditions. Algorithms developed to predict the effect of missense changes on protein structure and function (SIFT, PolyPhen-2, Align-GVGD) all suggest that this variant is likely to be disruptive. In summary, the available evidence is currently insufficient to determine the role of this variant in disease. Therefore, it has been classified as a Variant of Uncertain Significance.

NM_031942.5(CDCA7):c.455C>T (p.Ala152Val)

Gene: CDCA7 (cell division cycle associated 7; plus strand). Cytogenetic location: 2q31.1.
Variant type: single nucleotide variant.
Coding change: c.455C>T on transcript NM_031942.5 (MANE Select); coding-DNA position 455, C replaced by T.
Protein change: p.Ala152Val; replaces alanine 152 with valine.
Molecular consequence: missense variant.
Genome position (GRCh38, 1-based): chr2:173,363,296, C>T. VCF-style: chr2-173363296-C-T. GRCh37 (hg19) VCF-style: chr2-174228024-C-T.
Other names: c.218C>T, p.Ala73Val (NM_145810.3); short protein forms A73V, A152V.
Identifiers: ClinVar variation 1990011 (VCV001990011.1), dbSNP rs993467734, ClinGen allele CA60777994.
Genomic context (GRCh38, chr2:173,363,296, plus strand): 5'-CAGTTCGGGAAGGCTGTAGGACCCGCAGCCAGTGCAGGCACTCTGGACCTCTCAGGGTGG[C>T]GATGAAGTTTCCAGCGCGGAGTACCAGGGGAGCAACCAACAAAAAAGCAGAGTCCCGCCA-3'
Protein context (NP_114148.3, residues 142-162): QCRHSGPLRV[Ala152Val]MKFPARSTRG